The following is an entry in ClinVar:

ClinVar aggregate classification (germline): Likely pathogenic. Review status: criteria provided, multiple submitters, no conflicts (2 of 4 stars). 3 submissions from 3 submitters: Likely pathogenic (3). Last evaluated 2025-10-20.

Conditions:
DNAH9-related disorder. Also called: DNAH9-related condition.
Ciliary dyskinesia, primary, 40. Also called: CILIARY DYSKINESIA, PRIMARY, 40, WITH OR WITHOUT SITUS INVERSUS. Identifiers: MedGen C4749028, MONDO:0032664, OMIM 618300.

Allele frequency attached by ClinVar (database versions not stated): TOPMed 0.00001; gnomAD 0.00002; ExAC 0.00010; 1000 Genomes Project 0.00020; 1000 Genomes Project 30x 0.00031.
gnomAD v4.1: 51 of 1,614,064 alleles (0.0032%); highest among the groups gnomAD compares: South Asian, 0.047%; 1 homozygote.

Submissions (3):

PreventionGenetics, part of Exact Sciences
Classification: Likely pathogenic for DNAH9-related condition. Last evaluated: 2025-10-20. Review status: criteria provided, single submitter. Criteria: ACMG Guidelines, 2015. Collection method: clinical testing. Allele origin: germline.
Comment: The DNAH9 c.4918C>T variant is predicted to result in premature protein termination (p.Arg1640*). To our knowledge, this variant has not been reported in the literature. This variant is reported in 0.039% of alleles in individuals of South Asian descent in gnomAD. Nonsense variants in DNAH9 are expected to be pathogenic. This variant is interpreted as likely pathogenic.

Women's Health and Genetics/Laboratory Corporation of America, LabCorp
Classification: Likely pathogenic for Ciliary dyskinesia, primary, 40. Last evaluated: 2022-09-30. Review status: criteria provided, single submitter. Criteria: LabCorp Variant Classification Summary - May 2015. Collection method: clinical testing. Allele origin: germline.
Comment: Variant summary: DNAH9 c.4918C>T (p.Arg1640X) results in a premature termination codon, predicted to cause a truncation of the encoded protein or absence of the protein due to nonsense mediated decay, which are commonly known mechanisms for disease. Truncations downstream of this position have been classified as pathogenic within ClinVar (e.g. c.8870_8871del [p.Pro2957fs]); c.10440T>A [p.Tyr3480Ter]). The variant allele was found at a frequency of 5.2e-05 in 251408 control chromosomes (gnomAD). To our knowledge, no occurrence of c.4918C>T in individuals affected with Ciliary Dyskinesia, Primary, 40 and no experimental evidence demonstrating its impact on protein function have been reported. No clinical diagnostic laboratories have submitted clinical-significance assessments for this variant to ClinVar after 2014. Based on the evidence outlined above, the variant was classified as likely pathogenic.

Blueprint Genetics
Classification: Likely pathogenic for DNAH9-related disorders. Last evaluated: 2022-09-15. Review status: criteria provided, single submitter. Criteria: ACMG Guidelines, 2015. Collection method: clinical testing. Allele origin: germline. Affected: yes. Observed: 2 variant alleles.

NM_001372.4(DNAH9):c.4918C>T (p.Arg1640Ter)

Genes: DNAH9 (dynein axonemal heavy chain 9; plus strand), LOC126862506 (BRD4-independent group 4 enhancer GRCh37_chr17:11602804-11604003; plus strand). Cytogenetic location: 17p12.
Variant type: single nucleotide variant.
Coding change: c.4918C>T on transcript NM_001372.4 (MANE Select); coding-DNA position 4918, C replaced by T.
Protein change: p.Arg1640Ter; replaces arginine 1640 with a stop codon.
Molecular consequence: nonsense.
Genome position (GRCh38, 1-based): chr17:11,699,776, C>T. VCF-style: chr17-11699776-C-T. GRCh37 (hg19) VCF-style: chr17-11603093-C-T.
Other names: short protein forms R1640*.
Identifiers: ClinVar variation 1722374 (VCV001722374.3), dbSNP rs577494986, ClinGen allele CA8395849.
Genomic context (GRCh38, chr17:11,699,776, plus strand): 5'-GGTTTCCCTTCATAGGTTCAACGTCACCTTTCCAAACTCTTTGACAACATGGCCAAGATG[C>T]GATTCCAGCTAGATGCCAGTGGGGAACCAACCAAGACAAGCCTCGGCATGTACAGCAAAG-3'